The following is an entry in ClinVar:

NM_000532.5(PCCB):c.151G>A (p.Gly51Ser)

Gene: PCCB (propionyl-CoA carboxylase subunit beta; plus strand). Cytogenetic location: 3q22.3.
Variant type: single nucleotide variant.
Coding change: c.151G>A on transcript NM_000532.5 (MANE Select); coding-DNA position 151, G replaced by A.
Protein change: p.Gly51Ser; replaces glycine 51 with serine.
Molecular consequence: missense variant.
Genome position (GRCh38, 1-based): chr3:136,250,526, G>A. VCF-style: chr3-136250526-G-A. GRCh37 (hg19) VCF-style: chr3-135969368-G-A.
Other names: c.151G>A, p.Gly51Ser (NM_001178014.2); short protein forms G51S.
Identifiers: ClinVar variation 2165877 (VCV002165877.1), dbSNP rs747214250, ClinGen allele CA2631585.
Genomic context (GRCh38, chr3:136,250,526, plus strand): 5'-CAGGCCACCTCTGTTAACGAACGCATCGAAAACAAGCGCCGGACCGCGCTGCTGGGAGGG[G>A]GCCAACGCCGTATTGACGCGCAGCACAAGCGAGTGAGTCCTGAGGGGCCTAAGTGAGTCC-3'
Protein context (NP_000523.2, residues 41-61): NKRRTALLGG[Gly51Ser]QRRIDAQHKR

ClinVar aggregate classification (germline): Uncertain significance (1 of 4 stars; one submission).

Conditions:
Propionic acidemia (PROP). Also called: GLYCINEMIA, KETOTIC; HYPERGLYCINEMIA WITH KETOACIDOSIS AND LEUKOPENIA; KETOTIC HYPERGLYCINEMIA. Identifiers: Orphanet 35, MedGen C0268579, MONDO:0011628, OMIM 606054, HP:0003571.

Allele frequency attached by ClinVar (database versions not stated): gnomAD exomes below 0.00001; ExAC 0.00001; gnomAD 0.00001; TOPMed 0.00002.
gnomAD v4.1: 8 of 1,612,774 alleles (0.0005%); highest among the groups gnomAD compares: Admixed American, 0.0017%; no homozygotes.

Submission:

Labcorp Genetics (formerly Invitae), Labcorp
Classification: Uncertain significance for Propionic acidemia. Last evaluated: 2022-05-05. Review status: criteria provided, single submitter. Criteria: Invitae Variant Classification Sherloc (09022015). Collection method: clinical testing. Allele origin: germline.
Comment: This sequence change replaces glycine, which is neutral and non-polar, with serine, which is neutral and polar, at codon 51 of the PCCB protein (p.Gly51Ser). This variant is present in population databases (rs747214250, gnomAD 0.003%). This variant has not been reported in the literature in individuals affected with PCCB-related conditions. Advanced modeling of protein sequence and biophysical properties (such as structural, functional, and spatial information, amino acid conservation, physicochemical variation, residue mobility, and thermodynamic stability) performed at Invitae indicates that this missense variant is expected to disrupt PCCB protein function. In summary, the available evidence is currently insufficient to determine the role of this variant in disease. Therefore, it has been classified as a Variant of Uncertain Significance.